The following is an entry in ClinVar:

NM_020821.3(VPS13C):c.583C>G (p.Gln195Glu)

Gene: VPS13C (vacuolar protein sorting 13 homolog C; minus strand). Cytogenetic location: 15q22.2.
Variant type: single nucleotide variant.
Coding change: c.583C>G on transcript NM_020821.3 (MANE Select); coding-DNA position 583, C replaced by G.
Protein change: p.Gln195Glu; replaces glutamine 195 with glutamic acid.
Molecular consequence: missense variant.
Genome position (GRCh38, 1-based): chr15:62,023,452, G>C on the plus strand (C>G on the coding strand, the complement: VPS13C is on the minus strand). VCF-style: chr15-62023452-G-C. GRCh37 (hg19) VCF-style: chr15-62315651-G-C.
Other names: c.583C>G, p.Gln195Glu (NM_001018088.3); c.454C>G, p.Gln152Glu (NM_017684.5, NM_018080.4); short protein forms Q195E, Q152E.
Identifiers: ClinVar variation 4740597 (VCV004740597.1).

ClinVar aggregate classification (germline): Uncertain significance (1 of 4 stars; one submission).

Submission:

Labcorp Genetics (formerly Invitae), Labcorp
Classification: Uncertain significance. Last evaluated: 2025-07-06. Review status: criteria provided, single submitter. Criteria: Invitae Variant Classification Sherloc (09022015). Collection method: clinical testing. Allele origin: germline.
Comment: This sequence change replaces glutamine, which is neutral and polar, with glutamic acid, which is acidic and polar, at codon 195 of the VPS13C protein (p.Gln195Glu). This variant is not present in population databases (gnomAD no frequency). This variant has not been reported in the literature in individuals affected with VPS13C-related conditions. Invitae Evidence Modeling of protein sequence and biophysical properties (such as structural, functional, and spatial information, amino acid conservation, physicochemical variation, residue mobility, and thermodynamic stability) has been performed for this missense variant. However, the output from this modeling did not meet the statistical confidence thresholds required to predict the impact of this variant on VPS13C protein function. In summary, the available evidence is currently insufficient to determine the role of this variant in disease. Therefore, it has been classified as a Variant of Uncertain Significance.